The following is an entry in ClinVar:

NM_001111.5(ADAR):c.1399C>T (p.Arg467Cys)

Gene: ADAR (adenosine deaminase RNA specific; minus strand). Cytogenetic location: 1q21.3.
Variant type: single nucleotide variant.
Coding change: c.1399C>T on transcript NM_001111.5 (MANE Select); coding-DNA position 1399, C replaced by T.
Protein change: p.Arg467Cys; replaces arginine 467 with cysteine.
Molecular consequence: missense variant.
Genome position (GRCh38, 1-based): chr1:154,601,243, G>A on the plus strand (C>T on the coding strand, the complement: ADAR is on the minus strand). VCF-style: chr1-154601243-G-A. GRCh37 (hg19) VCF-style: chr1-154573719-G-A.
Other names: c.514C>T, p.Arg172Cys (NM_001025107.3, NM_001193495.2, NM_001365046.1 and 3 more transcripts); c.1426C>T, p.Arg476Cys (NM_001365045.1); c.1399C>T, p.Arg467Cys (NM_015840.4, NM_015841.4); short protein forms R467C, R476C, R172C.
Identifiers: ClinVar variation 1980320 (VCV001980320.4), dbSNP rs762695102, ClinGen allele CA1131555.

ClinVar aggregate classification (germline): Uncertain significance (1 of 4 stars; one submission).

Conditions:
Symmetrical dyschromatosis of extremities (DSH). Also called: RETICULATE ACROPIGMENTATION OF DOHI; SYMMETRIC DYSCHROMATOSIS OF THE EXTREMITIES; Dyschromatosis symmetrica hereditaria; DYSCHROMATOSIS SYMMETRICA HEREDITARIA 1. Identifiers: Orphanet 41, MedGen C0406775, MONDO:0007483, OMIM 127400.
Aicardi-Goutieres syndrome 6 (AGS6). Identifiers: Orphanet 51, MedGen C3539013, MONDO:0014007, OMIM 615010.

Allele frequency attached by ClinVar (database versions not stated): gnomAD exomes 0.00005; gnomAD 0.00005; ExAC 0.00010; TOPMed below 0.00001.
gnomAD v4.1: 86 of 1,614,094 alleles (0.0053%); highest among the groups gnomAD compares: South Asian, 0.077%; 2 homozygotes.

Submission:

Labcorp Genetics (formerly Invitae), Labcorp
Classification: Uncertain significance for Aicardi-Goutieres syndrome 6; Symmetrical dyschromatosis of extremities. Last evaluated: 2025-04-07. Review status: criteria provided, single submitter. Criteria: Invitae Variant Classification Sherloc (09022015). Collection method: clinical testing. Allele origin: germline.
Comment: This sequence change replaces arginine, which is basic and polar, with cysteine, which is neutral and slightly polar, at codon 467 of the ADAR protein (p.Arg467Cys). This variant is present in population databases (rs762695102, gnomAD 0.07%). This variant has not been reported in the literature in individuals affected with ADAR-related conditions. ClinVar contains an entry for this variant (Variation ID: 1980320). Invitae Evidence Modeling of protein sequence and biophysical properties (such as structural, functional, and spatial information, amino acid conservation, physicochemical variation, residue mobility, and thermodynamic stability) indicates that this missense variant is not expected to disrupt ADAR protein function with a negative predictive value of 80%. In summary, the available evidence is currently insufficient to determine the role of this variant in disease. Therefore, it has been classified as a Variant of Uncertain Significance.